The following is an entry in ClinVar:

ClinVar aggregate classification (germline): Uncertain significance. Review status: criteria provided, multiple submitters, no conflicts (2 of 4 stars). 5 submissions from 5 submitters: Uncertain significance (5). Last evaluated 2024-09-30.

Conditions:
Ehlers-Danlos syndrome, classic type, 1 (EDSCL1). Also called: Ehlers-Danlos Syndrome, Classic Type, COL5A1-Related; EDS I; Ehlers-Danlos syndrome, type 1; EHLERS-DANLOS SYNDROME, GRAVIS TYPE; EHLERS-DANLOS SYNDROME, SEVERE CLASSIC TYPE. Identifiers: MedGen C0268335, MONDO:0019567, OMIM 130000.
Connective tissue disorder. Also called: Connective tissue disease. Identifiers: MedGen C0009782, MONDO:0003900.

Allele frequency attached by ClinVar (database versions not stated): gnomAD exomes 0.00001; TOPMed below 0.00001.

Submissions (5):

GeneDx
Classification: Uncertain significance. Last evaluated: 2024-09-30. Review status: criteria provided, single submitter. Criteria: GeneDx Variant Classification Process June 2021. Collection method: clinical testing. Allele origin: germline. Affected: yes.
Comment: Identified in a patient with aortic dissection in published literature (PMID: 34422331); Not observed at significant frequency in large population cohorts (gnomAD); Not located in the triple helical region, where the majority of pathogenic missense variants occur (PMID: 22696272; HGMD); In silico analysis supports that this missense variant has a deleterious effect on protein structure/function; This variant is associated with the following publications: (PMID: 22696272, 34422331)

Labcorp Genetics (formerly Invitae), Labcorp
Classification: Uncertain significance for Ehlers-Danlos syndrome, classic type, 1. Last evaluated: 2024-03-14. Review status: criteria provided, single submitter. Criteria: Invitae Variant Classification Sherloc (09022015). Collection method: clinical testing. Allele origin: germline.
Comment: This sequence change replaces arginine, which is basic and polar, with histidine, which is basic and polar, at codon 134 of the COL5A1 protein (p.Arg134His). This variant is not present in population databases (gnomAD no frequency). This missense change has been observed in individual(s) with aortic dissection (PMID: 34422331). ClinVar contains an entry for this variant (Variation ID: 547276). Advanced modeling of protein sequence and biophysical properties (such as structural, functional, and spatial information, amino acid conservation, physicochemical variation, residue mobility, and thermodynamic stability) performed at Invitae indicates that this missense variant is not expected to disrupt COL5A1 protein function with a negative predictive value of 95%. In summary, the available evidence is currently insufficient to determine the role of this variant in disease. Therefore, it has been classified as a Variant of Uncertain Significance.

Women's Health and Genetics/Laboratory Corporation of America, LabCorp
Classification: Uncertain significance. Last evaluated: 2023-03-01. Review status: criteria provided, single submitter. Criteria: LabCorp Variant Classification Summary - May 2015. Collection method: clinical testing. Allele origin: germline.
Comment: Variant summary: COL5A1 c.401G>A (p.Arg134His) results in a non-conservative amino acid change located in the Laminin G domain (IPR001791) of the encoded protein sequence. Four of five in-silico tools predict a damaging effect of the variant on protein function. The variant was absent in 250872 control chromosomes. The available data on variant occurrences in the general population are insufficient to allow any conclusion about variant significance. c.401G>A has been reported in the literature in one individual affected with Aortic dissection (Chen_2021), a phenotype in the spectrum of Ehlers-Danlos Syndrome. These data do not allow any conclusion about variant significance. To our knowledge, no experimental evidence demonstrating an impact on protein function has been reported. Three clinical diagnostic laboratories have submitted clinical-significance assessments for this variant to ClinVar after 2014 without evidence for independent evaluation. All laboratories classified the variant as uncertain significance. Based on the evidence outlined above, the variant was classified as uncertain significance.

Mayo Clinic Laboratories, Mayo Clinic
Classification: Uncertain significance. Last evaluated: 2021-08-25. Review status: criteria provided, single submitter. Criteria: ACMG Guidelines, 2015. Collection method: clinical testing. Allele origin: germline.

Center for Human Genetics, Inc
Classification: Uncertain significance for Connective tissue disorder. Last evaluated: 2016-11-01. Review status: criteria provided, single submitter. Criteria: ACMG Guidelines, 2015. Collection method: clinical testing. Allele origin: germline. Affected: yes.

Literature cited by the submitters: PubMed 34422331 (cited by Labcorp Genetics (formerly Invitae), Labcorp and Women's Health and Genetics/Laboratory Corporation of America, LabCorp).

NM_000093.5(COL5A1):c.401G>A (p.Arg134His)

Gene: COL5A1 (collagen type V alpha 1 chain; plus strand). Cytogenetic location: 9q34.3.
Variant type: single nucleotide variant.
Coding change: c.401G>A on transcript NM_000093.5 (MANE Select); coding-DNA position 401, G replaced by A.
Protein change: p.Arg134His; replaces arginine 134 with histidine.
Molecular consequence: missense variant.
Genome position (GRCh38, 1-based): chr9:134,700,032, G>A. VCF-style: chr9-134700032-G-A. GRCh37 (hg19) VCF-style: chr9-137591878-G-A.
Other names: p.Arg134His; c.401G>A (NM_000093.3); c.401G>A, p.Arg134His (NM_001278074.1); short protein forms R134H.
Identifiers: ClinVar variation 547276 (VCV000547276.11), dbSNP rs1442400098, ClinGen allele CA375442925.